The following is an entry in ClinVar:

NM_006949.4(STXBP2):c.663+11G>A

Gene: STXBP2 (syntaxin binding protein 2; plus strand). Cytogenetic location: 19p13.2.
Variant type: single nucleotide variant.
Coding change: c.663+11G>A on transcript NM_006949.4 (MANE Select); 11 bases into the intron after coding-DNA position 663, G replaced by A.
Molecular consequence: intron variant.
Genome position (GRCh38, 1-based): chr19:7,642,129, G>A. VCF-style: chr19-7642129-G-A. GRCh37 (hg19) VCF-style: chr19-7707015-G-A.
Other names: c.696+11G>A (NM_001272034.2); c.654+11G>A (NM_001127396.3); c.663+11G>A (NM_006949.3).
Identifiers: ClinVar variation 1562648 (VCV001562648.10), dbSNP rs199892437, ClinGen allele CA9143749.

ClinVar aggregate classification (germline): Likely benign. Review status: criteria provided, single submitter (1 of 4 stars). 2 submissions from 2 submitters: Likely benign (1). 1 of the submissions does not count toward it. Last evaluated 2026-01-19.

Conditions:
STXBP2-related disorder. Also called: STXBP2-related condition.
Familial hemophagocytic lymphohistiocytosis 5. Also called: STXBP2-Related Familial Hemophagocytic Lymphohistiocytosis (STXBP2-fHLH). Identifiers: Orphanet 540, MedGen C2751293, MONDO:0013135, OMIM 613101.

Allele frequency attached by ClinVar (database versions not stated): gnomAD 0.00009; TOPMed 0.00011; ExAC 0.00014; gnomAD exomes 0.00015.
gnomAD v4.1: 118 of 1,614,034 alleles (0.0073%); highest among the groups gnomAD compares: Admixed American, 0.037%; no homozygotes.

Submissions (2):

Labcorp Genetics (formerly Invitae), Labcorp
Classification: Likely benign for Familial hemophagocytic lymphohistiocytosis 5. Last evaluated: 2026-01-19. Review status: criteria provided, single submitter. Criteria: Invitae Variant Classification Sherloc (09022015). Collection method: clinical testing. Allele origin: germline.

PreventionGenetics, part of Exact Sciences
Classification: Likely benign for STXBP2-related condition. Last evaluated: 2019-05-21. Review status: no assertion criteria provided. Collection method: clinical testing. Allele origin: germline. Not counted in ClinVar's aggregate classification.
Comment: This variant is classified as likely benign based on ACMG/AMP sequence variant interpretation guidelines (Richards et al. 2015 PMID: 25741868, with internal and published modifications).